The following is an entry in ClinVar:

NM_005359.6(SMAD4):c.425A>G (p.Asp142Gly)

Gene: SMAD4 (SMAD family member 4; plus strand). Cytogenetic location: 18q21.2.
Variant type: single nucleotide variant.
Coding change: c.425A>G on transcript NM_005359.6 (MANE Select); coding-DNA position 425, A replaced by G.
Protein change: p.Asp142Gly; replaces aspartic acid 142 with glycine.
Molecular consequence: missense variant. On other transcripts: non-coding transcript variant (2).
Genome position (GRCh38, 1-based): chr18:51,049,295, A>G. VCF-style: chr18-51049295-A-G. GRCh37 (hg19) VCF-style: chr18-48575665-A-G.
Other names: c.425A>G, p.Asp142Gly (NM_001407041.1, NM_001407042.1, NM_001407043.1); short protein forms D142G.
Identifiers: ClinVar variation 2753655 (VCV002753655.3), dbSNP rs2511370295, ClinGen allele CA402459019.

ClinVar aggregate classification (germline): Uncertain significance (1 of 4 stars; one submission).

Conditions:
Juvenile polyposis syndrome (JPS). Identifiers: Orphanet 2929, MedGen C0345893, MONDO:0017380, OMIM 174900.

Submission:

Labcorp Genetics (formerly Invitae), Labcorp
Classification: Uncertain significance for Juvenile polyposis syndrome. Last evaluated: 2023-08-18. Review status: criteria provided, single submitter. Criteria: Invitae Variant Classification Sherloc (09022015). Collection method: clinical testing. Allele origin: germline.
Comment: This variant is not present in population databases (gnomAD no frequency). In summary, the available evidence is currently insufficient to determine the role of this variant in disease. Therefore, it has been classified as a Variant of Uncertain Significance. An algorithm developed to predict the effect of missense changes on protein structure and function (PolyPhen-2) suggests that this variant is likely to be tolerated. This variant has not been reported in the literature in individuals affected with SMAD4-related conditions. This sequence change replaces aspartic acid, which is acidic and polar, with glycine, which is neutral and non-polar, at codon 142 of the SMAD4 protein (p.Asp142Gly).